The following is an entry in ClinVar:

ClinVar aggregate classification (germline): Benign (1 of 4 stars; one submission).

Allele frequency attached by ClinVar (database versions not stated): gnomAD 0.01474; 1000 Genomes Project 0.02017.

Submission:

GeneDx
Classification: Benign. Last evaluated: 2018-06-14. Review status: criteria provided, single submitter. Criteria: GeneDx Variant Classification (06012015). Collection method: clinical testing. Allele origin: germline. Affected: yes.
Comment: This variant is considered likely benign or benign based on one or more of the following criteria: it is a conservative change, it occurs at a poorly conserved position in the protein, it is predicted to be benign by multiple in silico algorithms, and/or has population frequency not consistent with disease.

NM_000071.3(CBS):c.1467+191G>A

Gene: CBS (cystathionine beta-synthase; minus strand). Cytogenetic location: 21q22.3.
Variant type: single nucleotide variant.
Coding change: c.1467+191G>A on transcript NM_000071.3 (MANE Select); 191 bases into the intron after coding-DNA position 1467, G replaced by A.
Molecular consequence: intron variant.
Genome position (GRCh38, 1-based): chr21:43,057,954, C>T on the plus strand (G>A on the coding strand, the complement: CBS is on the minus strand). VCF-style: chr21-43057954-C-T. GRCh37 (hg19) VCF-style: chr21-44478064-C-T.
Other names: c.1467+191G>A (NM_001320298.2, NM_001178009.3, NM_001178008.3); c.1152+191G>A (NM_001321072.1).
Identifiers: ClinVar variation 675795 (VCV000675795.1), dbSNP rs111622470, ClinGen allele CA321687199.